The following is an entry in ClinVar:

ClinVar aggregate classification (germline): Likely benign. Review status: criteria provided, multiple submitters, no conflicts (2 of 4 stars). 3 submissions from 3 submitters: Likely benign (3). Last evaluated 2025-12-22.

Conditions:
Inborn genetic diseases. Identifiers: MedGen C0950123, MeSH D030342.

Allele frequency attached by ClinVar (database versions not stated): ESP Exome Variant Server 0.00008; TOPMed 0.00014; gnomAD 0.00019; ExAC 0.00020; gnomAD exomes 0.00028.
gnomAD v4.1: 425 of 1,614,074 alleles (0.026%); highest among the groups gnomAD compares: South Asian, 0.045%; no homozygotes.

Submissions (3):

Labcorp Genetics (formerly Invitae), Labcorp
Classification: Likely benign. Last evaluated: 2025-12-22. Review status: criteria provided, single submitter. Criteria: Invitae Variant Classification Sherloc (09022015). Collection method: clinical testing. Allele origin: germline.

Ambry Genetics
Classification: Likely benign for Inborn genetic diseases. Last evaluated: 2024-11-23. Review status: criteria provided, single submitter. Criteria: Ambry Variant Classification Scheme 2023. Collection method: clinical testing. Allele origin: germline.

CeGaT Center for Human Genetics Tuebingen
Classification: Likely benign. Last evaluated: 2024-07-01. Review status: criteria provided, single submitter. Criteria: CeGaT Center For Human Genetics Tuebingen Variant Classification Criteria Version 2. Collection method: clinical testing. Allele origin: germline. Affected: yes. Observed: 1 variant allele.
Comment: ETV6: BP4, BP7

NM_001987.5(ETV6):c.588C>T (p.Pro196=)

Gene: ETV6 (ETS variant transcription factor 6; plus strand). Cytogenetic location: 12p13.2.
Variant type: single nucleotide variant.
Coding change: c.588C>T on transcript NM_001987.5 (MANE Select); coding-DNA position 588, C replaced by T.
Protein change: p.Pro196=; no amino-acid change (proline 196 retained).
Molecular consequence: synonymous variant.
Genome position (GRCh38, 1-based): chr12:11,869,548, C>T. VCF-style: chr12-11869548-C-T. GRCh37 (hg19) VCF-style: chr12-12022482-C-T.
Other names: c.585C>T, p.Pro195= (NM_001413913.1); c.561C>T, p.Pro187= (NM_001413914.1); c.324C>T, p.Pro108= (NM_001413915.1); c.588C>T, p.Pro196= (NM_001413916.1, NM_001413917.1).
Identifiers: ClinVar variation 2056163 (VCV002056163.21), dbSNP rs142652732, ClinGen allele CA6454291.